The following is an entry in ClinVar:

NM_032043.3(BRIP1):c.2098-3_2098-1delinsAA

Gene: BRIP1 (BRCA1 interacting DNA helicase 1; minus strand). Cytogenetic location: 17q23.2.
Variant type: Indel.
Coding change: c.2098-3_2098-1delinsAA on transcript NM_032043.3 (MANE Select); 3 bases into the intron before coding-DNA position 2098 through the canonical splice acceptor site of the intron before coding-DNA position 2098, TAG replaced by AA.
Molecular consequence: splice acceptor variant.
Genome position (GRCh38, 1-based): chr17:61,744,592-61,744,594, CTA replaced by TT on the plus strand (TAG replaced by AA on the coding strand, the reverse complement: BRIP1 is on the minus strand). VCF-style: chr17-61744592-CTA-TT. GRCh37 (hg19) VCF-style: chr17-59821953-CTA-TT.
Identifiers: ClinVar variation 2449925 (VCV002449925.2), dbSNP rs2544839892, ClinGen allele CA2580094498.

ClinVar aggregate classification (germline): Likely pathogenic (1 of 4 stars; one submission).

Conditions:
Hereditary cancer-predisposing syndrome. Also called: Neoplastic Syndromes, Hereditary; Tumor predisposition; Hereditary neoplastic syndrome; Hereditary Cancer Syndrome. Identifiers: Orphanet 140162, MedGen C0027672, MeSH D009386, MONDO:0015356.

Submission:

Ambry Genetics
Classification: Likely pathogenic for Hereditary cancer-predisposing syndrome. Last evaluated: 2023-01-05. Review status: criteria provided, single submitter. Criteria: Ambry Variant Classification Scheme 2023. Collection method: clinical testing. Allele origin: germline.
Comment: The c.2098-3_2098-1delTAGinsAA intronic variant results from a deletion of 3 nucleotides and the insertion of two nucleotides at nucleotide position c.2098-3 to c.2098-1 and involves the canonical splice acceptor before coding exon 14 of the BRIP1 gene. The canonical splice acceptor site is highly conserved in available vertebrate species. Using the BDGP splice site prediction tool, this alteration is predicted to abolish the native acceptor site; however, direct evidence is insufficient at this time (Ambry internal data). Alterations that disrupt the canonical splice site are expected to cause aberrant splicing, resulting in an abnormal protein or a transcript that is subject to nonsense-mediated mRNA decay. As such, this alteration is classified as likely pathogenic.